The following is an entry in ClinVar:

ClinVar aggregate classification (germline): Pathogenic/Likely pathogenic. Review status: criteria provided, multiple submitters, no conflicts (2 of 4 stars). 2 submissions from 2 submitters: Pathogenic (1); Likely pathogenic (1). Last evaluated 2026-02-13.

Conditions:
TMPRSS6-related disorder. Also called: TMPRSS6-related condition.

Submissions (2):

PreventionGenetics, part of Exact Sciences
Classification: Pathogenic for TMPRSS6-related condition. Last evaluated: 2026-02-13. Review status: criteria provided, single submitter. Criteria: ACMG Guidelines, 2015. Collection method: clinical testing. Allele origin: germline.
Comment: The TMPRSS6 c.811C>T variant is predicted to result in premature protein termination (p.Arg271*). This variant has been reported in the compound heterozygous state in one individual with iron refractory iron deficiency anemia (Udomponglukkana et al. 2023. PMID: 36598965). This variant is reported in 0.0065% of alleles in individuals of African descent in gnomAD. Nonsense variants in TMPRSS6 are expected to be pathogenic. This variant is interpreted as pathogenic.

Blueprint Genetics
Classification: Likely pathogenic for TMPRSS6-related disorders. Last evaluated: 2023-05-10. Review status: criteria provided, single submitter. Criteria: ACMG Guidelines, 2015. Collection method: clinical testing. Allele origin: germline. Affected: yes. Observed: 2 variant alleles.

NM_001374504.1(TMPRSS6):c.784C>T (p.Arg262Ter)

Gene: TMPRSS6 (transmembrane serine protease 6; minus strand). Cytogenetic location: 22q12.3.
Variant type: single nucleotide variant.
Coding change: c.784C>T on transcript NM_001374504.1 (MANE Select); coding-DNA position 784, C replaced by T.
Protein change: p.Arg262Ter; replaces arginine 262 with a stop codon.
Molecular consequence: nonsense.
Genome position (GRCh38, 1-based): chr22:37,089,630, G>A on the plus strand (C>T on the coding strand, the complement: TMPRSS6 is on the minus strand). VCF-style: chr22-37089630-G-A. GRCh37 (hg19) VCF-style: chr22-37485670-G-A.
Other names: c.784C>T, p.Arg262Ter (NM_001289000.2, NM_001289001.2, NM_153609.4); c.811C>T (NM_153609.3); short protein forms R262*.
Identifiers: ClinVar variation 4947754 (VCV004947754.2).